The following is an entry in ClinVar:

NM_030662.4(MAP2K2):c.686G>A (p.Gly229Asp)

Gene: MAP2K2 (mitogen-activated protein kinase kinase 2; minus strand). Cytogenetic location: 19p13.3.
Variant type: single nucleotide variant.
Coding change: c.686G>A on transcript NM_030662.4 (MANE Select); coding-DNA position 686, G replaced by A.
Protein change: p.Gly229Asp; replaces glycine 229 with aspartic acid.
Molecular consequence: missense variant.
Genome position (GRCh38, 1-based): chr19:4,101,038, C>T on the plus strand (G>A on the coding strand, the complement: MAP2K2 is on the minus strand). VCF-style: chr19-4101038-C-T. GRCh37 (hg19) VCF-style: chr19-4101036-C-T.
Other names: c.686G>A, p.Gly229Asp (NM_001440688.1); c.116G>A, p.Gly39Asp (NM_001440689.1); short protein forms G229D, G39D.
Identifiers: ClinVar variation 4802522 (VCV004802522.1).

ClinVar aggregate classification (germline): Uncertain significance (1 of 4 stars; one submission).

Conditions:
RASopathy. Also called: rasopathies; Noonan spectrum disorder. Identifiers: Orphanet 536391, MedGen C5555857, MONDO:0021060.

Submission:

Labcorp Genetics (formerly Invitae), Labcorp
Classification: Uncertain significance for RASopathy. Last evaluated: 2025-03-20. Review status: criteria provided, single submitter. Criteria: Invitae Variant Classification Sherloc (09022015). Collection method: clinical testing. Allele origin: germline.
Comment: This sequence change replaces glycine, which is neutral and non-polar, with aspartic acid, which is acidic and polar, at codon 229 of the MAP2K2 protein (p.Gly229Asp). This variant is not present in population databases (gnomAD no frequency). This variant has not been reported in the literature in individuals affected with MAP2K2-related conditions. Invitae Evidence Modeling of protein sequence and biophysical properties (such as structural, functional, and spatial information, amino acid conservation, physicochemical variation, residue mobility, and thermodynamic stability) has been performed for this missense variant. However, the output from this modeling did not meet the statistical confidence thresholds required to predict the impact of this variant on MAP2K2 protein function. In summary, the available evidence is currently insufficient to determine the role of this variant in disease. Therefore, it has been classified as a Variant of Uncertain Significance.